The following is an entry in ClinVar:

ClinVar aggregate classification (germline): Uncertain significance (1 of 4 stars; one submission).

Conditions:
Charcot-Marie-Tooth disease axonal type 2Z. Also called: CHARCOT-MARIE-TOOTH DISEASE, AXONAL, AUTOSOMAL DOMINANT, TYPE 2Z; CHARCOT-MARIE-TOOTH NEUROPATHY, TYPE 2Z. Identifiers: Orphanet 466768, MedGen C5569025, MONDO:0014736, OMIM 616688.

Submission:

Labcorp Genetics (formerly Invitae), Labcorp
Classification: Uncertain significance for Charcot-Marie-Tooth disease axonal type 2Z. Last evaluated: 2024-04-03. Review status: criteria provided, single submitter. Criteria: Invitae Variant Classification Sherloc (09022015). Collection method: clinical testing. Allele origin: germline.
Comment: This sequence change replaces glutamic acid, which is acidic and polar, with glutamine, which is neutral and polar, at codon 445 of the MORC2 protein (p.Glu445Gln). This variant is not present in population databases (gnomAD no frequency). This variant has not been reported in the literature in individuals affected with MORC2-related conditions. Advanced modeling of protein sequence and biophysical properties (such as structural, functional, and spatial information, amino acid conservation, physicochemical variation, residue mobility, and thermodynamic stability) has been performed at Invitae for this missense variant, however the output from this modeling did not meet the statistical confidence thresholds required to predict the impact of this variant on MORC2 protein function. In summary, the available evidence is currently insufficient to determine the role of this variant in disease. Therefore, it has been classified as a Variant of Uncertain Significance.

NM_001303256.3(MORC2):c.1333G>C (p.Glu445Gln)

Gene: MORC2 (MORC family CW-type zinc finger 2; minus strand). Cytogenetic location: 22q12.2.
Variant type: single nucleotide variant.
Coding change: c.1333G>C on transcript NM_001303256.3 (MANE Select); coding-DNA position 1333, G replaced by C.
Protein change: p.Glu445Gln; replaces glutamic acid 445 with glutamine.
Molecular consequence: missense variant.
Genome position (GRCh38, 1-based): chr22:30,937,851, C>G on the plus strand (G>C on the coding strand, the complement: MORC2 is on the minus strand). VCF-style: chr22-30937851-C-G. GRCh37 (hg19) VCF-style: chr22-31333838-C-G.
Other names: c.1333G>C, p.Glu445Gln (NM_001303257.2); c.1147G>C, p.Glu383Gln (NM_014941.3); short protein forms E445Q, E383Q.
Identifiers: ClinVar variation 3637776 (VCV003637776.2).